The following is an entry in ClinVar:

NM_001378454.1(ALMS1):c.11827C>G (p.Pro3943Ala)

Gene: ALMS1 (ALMS1 centrosome and basal body associated protein; plus strand). Cytogenetic location: 2p13.1.
Variant type: single nucleotide variant.
Coding change: c.11827C>G on transcript NM_001378454.1 (MANE Select); coding-DNA position 11827, C replaced by G.
Protein change: p.Pro3943Ala; replaces proline 3943 with alanine.
Molecular consequence: missense variant.
Genome position (GRCh38, 1-based): chr2:73,600,836, C>G. VCF-style: chr2-73600836-C-G. GRCh37 (hg19) VCF-style: chr2-73827963-C-G.
Other names: c.11830C>G, p.Pro3944Ala (NM_015120.4); short protein forms P3943A, P3944A.
Identifiers: ClinVar variation 1723090 (VCV001723090.5), dbSNP rs556221316, ClinGen allele CA1715334.
Genomic context (GRCh38, chr2:73,600,836, plus strand): 5'-AGTGATGTGACTTCTTGGTCAGAAGAAAAACGTGAAGAGAAAATGCTCTTTACCGGTTAT[C>G]CTGAGGACAGAAAGTTAAAAAAGAACAAGAAGAATTCCCATGAAGGTCAGTTTCTCATTC-3'
Protein context (NP_001365383.1, residues 3933-3953): REEKMLFTGY[Pro3943Ala]EDRKLKKNKK

ClinVar aggregate classification (germline): Uncertain significance. Review status: criteria provided, multiple submitters, no conflicts (2 of 4 stars). 2 submissions from 2 submitters: Uncertain significance (2). Last evaluated 2025-09-10.

Conditions:
Alstrom syndrome (ALMS). Identifiers: Orphanet 64, MedGen C0268425, MONDO:0008763, OMIM 203800.

Allele frequency attached by ClinVar (database versions not stated): gnomAD exomes 0.00002; gnomAD 0.00003; ExAC 0.00008; 1000 Genomes Project 30x 0.00031; 1000 Genomes Project 0.00040.
gnomAD v4.1: 36 of 1,614,186 alleles (0.0022%); highest among the groups gnomAD compares: South Asian, 0.034%; no homozygotes.

Submissions (2):

Labcorp Genetics (formerly Invitae), Labcorp
Classification: Uncertain significance for Alstrom syndrome. Last evaluated: 2025-09-10. Review status: criteria provided, single submitter. Criteria: Invitae Variant Classification Sherloc (09022015). Collection method: clinical testing. Allele origin: germline.
Comment: This sequence change replaces proline, which is neutral and non-polar, with alanine, which is neutral and non-polar, at codon 3944 of the ALMS1 protein (p.Pro3944Ala). This variant is present in population databases (rs556221316, gnomAD 0.03%). This variant has not been reported in the literature in individuals affected with ALMS1-related conditions. ClinVar contains an entry for this variant (Variation ID: 1723090). Experimental studies and prediction algorithms are not available or were not evaluated, and the functional significance of this variant is currently unknown. In summary, the available evidence is currently insufficient to determine the role of this variant in disease. Therefore, it has been classified as a Variant of Uncertain Significance.

GeneDx
Classification: Uncertain significance. Last evaluated: 2022-11-15. Review status: criteria provided, single submitter. Criteria: GeneDx Variant Classification Process June 2021. Collection method: clinical testing. Allele origin: germline. Affected: yes.
Comment: In silico analysis supports that this missense variant does not alter protein structure/function; Has not been previously published as pathogenic or benign to our knowledge